The following is an entry in ClinVar:

NM_001447.3(FAT2):c.12902G>A (p.Arg4301His)

Genes: FAT2 (FAT atypical cadherin 2; minus strand), SLC36A1 (solute carrier family 36 member 1; plus strand). Cytogenetic location: 5q33.1.
Variant type: single nucleotide variant.
Coding change: c.12902G>A on transcript NM_001447.3 (MANE Select); coding-DNA position 12902, G replaced by A.
Protein change: p.Arg4301His; replaces arginine 4301 with histidine.
Molecular consequence: missense variant.
Genome position (GRCh38, 1-based): chr5:151,505,713, C>T on the plus strand (G>A on the coding strand, the complement: FAT2 is on the minus strand). VCF-style: chr5-151505713-C-T. GRCh37 (hg19) VCF-style: chr5-150885274-C-T.
Other names: c.12902G>A (NM_001447.2); short protein forms R4301H.
Identifiers: ClinVar variation 2170951 (VCV002170951.5), dbSNP rs147369556, ClinGen allele CA3519650.

ClinVar aggregate classification (germline): Uncertain significance. Review status: criteria provided, multiple submitters, no conflicts (2 of 4 stars). 2 submissions from 2 submitters: Uncertain significance (2). Last evaluated 2023-10-27.

Allele frequency attached by ClinVar (database versions not stated): gnomAD exomes 0.00002; ExAC 0.00004; ESP Exome Variant Server 0.00008; 1000 Genomes Project 30x 0.00016; 1000 Genomes Project 0.00020.
gnomAD v4.1: 42 of 1,613,906 alleles (0.0026%); highest among the groups gnomAD compares: African/African-American, 0.017%; no homozygotes.

Submissions (2):

Ambry Genetics
Classification: Uncertain significance. Last evaluated: 2023-10-27. Review status: criteria provided, single submitter. Criteria: Ambry Variant Classification Scheme 2023. Collection method: clinical testing. Allele origin: germline.

Labcorp Genetics (formerly Invitae), Labcorp
Classification: Uncertain significance. Last evaluated: 2023-10-03. Review status: criteria provided, single submitter. Criteria: Invitae Variant Classification Sherloc (09022015). Collection method: clinical testing. Allele origin: germline.
Comment: This sequence change replaces arginine, which is basic and polar, with histidine, which is basic and polar, at codon 4301 of the FAT2 protein (p.Arg4301His). This variant is present in population databases (rs147369556, gnomAD 0.03%). This variant has not been reported in the literature in individuals affected with FAT2-related conditions. ClinVar contains an entry for this variant (Variation ID: 2170951). An algorithm developed to predict the effect of missense changes on protein structure and function (PolyPhen-2) suggests that this variant is likely to be disruptive. In summary, the available evidence is currently insufficient to determine the role of this variant in disease. Therefore, it has been classified as a Variant of Uncertain Significance.